The following is an entry in ClinVar:

NM_001002294.3(FMO3):c.154G>A (p.Ala52Thr)

Gene: FMO3 (flavin containing dimethylaniline monoxygenase 3; plus strand). Cytogenetic location: 1q24.3.
Variant type: single nucleotide variant.
Coding change: c.154G>A on transcript NM_001002294.3 (MANE Select); coding-DNA position 154, G replaced by A.
Protein change: p.Ala52Thr; replaces alanine 52 with threonine.
Molecular consequence: missense variant. On other transcripts: intron variant (1).
Genome position (GRCh38, 1-based): chr1:171,103,806, G>A. VCF-style: chr1-171103806-G-A. GRCh37 (hg19) VCF-style: chr1-171072947-G-A.
Other names: c.94G>A, p.Ala32Thr (NM_001319173.2); c.154G>A, p.Ala52Thr (NM_006894.6); c.133-3869G>A (NM_001319174.2); short protein forms A52T, A32T.
Identifiers: ClinVar variation 16307 (VCV000016307.3), dbSNP rs72549321, ClinGen allele CA257483.

ClinVar aggregate classification (germline): Uncertain significance. Review status: criteria provided, multiple submitters, no conflicts (2 of 4 stars). 3 submissions from 3 submitters: Uncertain significance (2). 1 of the submissions does not count toward it. Last evaluated 2026-01-13.

Conditions:
Trimethylaminuria (TMAU). Also called: Primary Trimethylaminuria; Fish malodor syndrome; Stale fish syndrome; TMAuria; FISH-ODOR SYNDROME. Identifiers: MedGen C0342739, MONDO:0011182, OMIM 602079, HP:0003614. Disease mechanism: loss of function.

Allele frequency attached by ClinVar (database versions not stated): gnomAD exomes below 0.00001.

Submissions (3):

Myriad Genetics, Inc.
Classification: Uncertain significance for Trimethylaminuria. Last evaluated: 2026-01-13. Review status: criteria provided, single submitter. Criteria: Myriad Autosomal Dominant, Autosomal Recessive and X-Linked Classification Criteria (2023). Collection method: clinical testing. Allele origin: unknown.
Comment: NM_001002294.2(FMO3):c.154G>A(A52T) is a missense variant classified as a variant of uncertain significance in the context of primary trimethylaminuria. A52T has been observed in a case with relevant disease (PMID: 10479479). Relevant functional assessments of this variant are not available in the literature. A52T has been observed in referenced population frequency databases. In summary, there is insufficient evidence to classify NM_001002294.2(FMO3):c.154G>A(A52T) as pathogenic or benign. Please note: this variant was assessed in the context of healthy population screening.

Women's Health and Genetics/Laboratory Corporation of America, LabCorp
Classification: Uncertain significance. Last evaluated: 2024-07-01. Review status: criteria provided, single submitter. Criteria: LabCorp Variant Classification Summary - May 2015. Collection method: clinical testing. Allele origin: germline.
Comment: Variant summary: FMO3 c.154G>A (p.Ala52Thr) results in a non-conservative amino acid change in the encoded protein sequence. Three of five in-silico tools predict a benign effect of the variant on protein function. The variant allele was found at a frequency of 4e-06 in 251200 control chromosomes (gnomAD). The available data on variant occurrences in the general population are insufficient to allow any conclusion about variant significance. c.154G>A has been reported in the literature in an individual affected with Trimethylaminuria (Akerman_1999). This report does not provide unequivocal conclusions about association of the variant with Trimethylaminuria. To our knowledge, no experimental evidence demonstrating an impact on protein function has been reported. The following publication has been ascertained in the context of this evaluation (PMID: 10479479). ClinVar contains an entry for this variant (Variation ID: 16307). Based on the evidence outlined above, the variant was classified as uncertain significance.

OMIM
Classification: Pathogenic for TRIMETHYLAMINURIA. Last evaluated: 1999-09-01. Review status: no assertion criteria provided. Collection method: literature only. Allele origin: germline. Not counted in ClinVar's aggregate classification.

Literature cited by the submitters: PubMed 10479479 (cited by 3 submitters).